The following is an entry in ClinVar:

NM_000051.4(ATM):c.7331A>C (p.Glu2444Ala)

Genes: ATM (ATM serine/threonine kinase; plus strand), C11orf65 (chromosome 11 open reading frame 65; minus strand). Cytogenetic location: 11q22.3.
Variant type: single nucleotide variant.
Coding change: c.7331A>C on transcript NM_000051.4 (MANE Select); coding-DNA position 7331, A replaced by C.
Protein change: p.Glu2444Ala; replaces glutamic acid 2444 with alanine.
Molecular consequence: missense variant. On other transcripts: intron variant (2).
Genome position (GRCh38, 1-based): chr11:108,330,237, A>C. VCF-style: chr11-108330237-A-C. GRCh37 (hg19) VCF-style: chr11-108200964-A-C.
Other names: c.7331A>C, p.Glu2444Ala (NM_001351834.2); c.641-21166T>G (NM_001330368.2); c.*38+4983T>G (NM_001351110.2); short protein forms E2444A.
Identifiers: ClinVar variation 246409 (VCV000246409.9), dbSNP rs879254245, ClinGen allele CA10584365.

ClinVar aggregate classification (germline): Uncertain significance. Review status: criteria provided, multiple submitters, no conflicts (2 of 4 stars). 2 submissions from 2 submitters: Uncertain significance (2). Last evaluated 2022-02-24.

Conditions:
Ataxia-telangiectasia syndrome (AT). Also called: Ataxia telangiectasia (A-T); Cerebello-oculocutaneous telangiectasia; Immunodeficiency with ataxia telangiectasia; LOUIS-BAR SYNDROME; AT, COMPLEMENTATION GROUP C; ATAXIA-TELANGIECTASIA, FRESNO VARIANT. Identifiers: Orphanet 100, MedGen C0004135, MONDO:0008840, OMIM 208900.

Submissions (2):

Labcorp Genetics (formerly Invitae), Labcorp
Classification: Uncertain significance for Ataxia-telangiectasia syndrome. Last evaluated: 2022-02-24. Review status: criteria provided, single submitter. Criteria: Invitae Variant Classification Sherloc (09022015). Collection method: clinical testing. Allele origin: germline.
Comment: This variant has not been reported in the literature in individuals affected with ATM-related conditions. This variant is not present in population databases (gnomAD no frequency). This sequence change replaces glutamic acid, which is acidic and polar, with alanine, which is neutral and non-polar, at codon 2444 of the ATM protein (p.Glu2444Ala). In summary, the available evidence is currently insufficient to determine the role of this variant in disease. Therefore, it has been classified as a Variant of Uncertain Significance. Algorithms developed to predict the effect of missense changes on protein structure and function are either unavailable or do not agree on the potential impact of this missense change (SIFT: "Tolerated"; PolyPhen-2: "Probably Damaging"; Align-GVGD: "Class C25"). ClinVar contains an entry for this variant (Variation ID: 246409).

GeneDx
Classification: Uncertain significance. Last evaluated: 2016-02-12. Review status: criteria provided, single submitter. Criteria: GeneDx Variant Classification (06012015). Collection method: clinical testing. Allele origin: germline. Affected: yes.
Comment: This variant is denoted ATM c.7331A>C at the cDNA level, p.Glu2444Ala (E2444A) at the protein level, and results in the change of a Glutamic Acid to an Alanine (GAG>GCG). This variant has not, to our knowledge, been published in the literature as pathogenic or benign. ATM Glu2444Ala was not observed in approximately 6,500 individuals of European and African American ancestry in the NHLBI Exome Sequencing Project, suggesting it is not a common benign variant in these populations. Since Glutamic Acid and Alanine differ in polarity, charge, size or other properties, this is considered a non-conservative amino acid substitution. ATM Glu2444Ala occurs at a position that is conserved across species and is located in the FAT domain (Stracker 2013). In silico analyses are inconsistent regarding the effect this variant may have on protein structure and function. Based on currently available evidence, it is unclear whether ATM Glu2444Ala is a pathogenic or benign variant. We consider it to be a variant of uncertain significance.